The following is an entry in ClinVar:

ClinVar aggregate classification (germline): Uncertain significance (1 of 4 stars; one submission).

Submission:

Labcorp Genetics (formerly Invitae), Labcorp
Classification: Uncertain significance. Last evaluated: 2022-01-19. Review status: criteria provided, single submitter. Criteria: Invitae Variant Classification Sherloc (09022015). Collection method: clinical testing. Allele origin: germline.
Comment: In summary, the available evidence is currently insufficient to determine the role of this variant in disease. Therefore, it has been classified as a Variant of Uncertain Significance. Algorithms developed to predict the effect of missense changes on protein structure and function output the following: SIFT: "Deleterious"; PolyPhen-2: "Not Available"; Align-GVGD: "Class C0". The tryptophan amino acid residue is found in multiple mammalian species, which suggests that this missense change does not adversely affect protein function. This variant has not been reported in the literature in individuals affected with POLE-related conditions. This variant is not present in population databases (gnomAD no frequency). This sequence change replaces glycine, which is neutral and non-polar, with tryptophan, which is neutral and slightly polar, at codon 7 of the POLE protein (p.Gly7Trp).

NM_006231.4(POLE):c.19G>T (p.Gly7Trp)

Genes: POLE (DNA polymerase epsilon, catalytic subunit; minus strand), LOC130009266 (ATAC-STARR-seq lymphoblastoid silent region 5123; plus strand). Cytogenetic location: 12q24.33.
Variant type: single nucleotide variant.
Coding change: c.19G>T on transcript NM_006231.4 (MANE Select); coding-DNA position 19, G replaced by T.
Protein change: p.Gly7Trp; replaces glycine 7 with tryptophan.
Molecular consequence: missense variant.
Genome position (GRCh38, 1-based): chr12:132,687,297, C>A on the plus strand (G>T on the coding strand, the complement: POLE is on the minus strand). VCF-style: chr12-132687297-C-A. GRCh37 (hg19) VCF-style: chr12-133263883-C-A.
Other names: short protein forms G7W.
Identifiers: ClinVar variation 1938964 (VCV001938964.5), dbSNP rs771930571, ClinGen allele CA387373489.